The following is an entry in ClinVar:

ClinVar aggregate classification (germline): Conflicting classifications of pathogenicity. Review status: criteria provided, conflicting classifications (1 of 4 stars). 7 submissions from 7 submitters: Uncertain significance (5); Likely benign (1). 1 of the submissions does not count toward it. Last evaluated 2025-10-13.

Conditions:
TTN-related disorder. Also called: TTN-related condition; TTN-related disease; TTN-related disorders.
Autosomal recessive limb-girdle muscular dystrophy type 2J (LGMDR10). Also called: MUSCULAR DYSTROPHY, LIMB-GIRDLE, AUTOSOMAL RECESSIVE 10; Limb-girdle muscular dystrophy, type 2J. Identifiers: Orphanet 140922, MedGen C1837342, MONDO:0012127, OMIM 608807.
Dilated cardiomyopathy 1G (CMD1G). Identifiers: Orphanet 154, MedGen C1858763, MONDO:0011400, OMIM 604145.
Dilated cardiomyopathy 1S (CMD1S). Identifiers: Orphanet 154, Orphanet 54260, MedGen C1834481, MONDO:0013262, OMIM 613426.

Allele frequency attached by ClinVar (database versions not stated): gnomAD exomes 0.00006; ExAC 0.00008; ESP Exome Variant Server 0.00008; TOPMed 0.00008; gnomAD 0.00010.
gnomAD v4.1: 107 of 1,613,428 alleles (0.0066%); highest among the groups gnomAD compares: African/African-American, 0.008%; no homozygotes.

Submissions (7):

PreventionGenetics, part of Exact Sciences
Classification: Uncertain significance for TTN-related condition. Last evaluated: 2025-10-13. Review status: criteria provided, single submitter. Criteria: ACMG Guidelines, 2015. Collection method: clinical testing. Allele origin: germline.
Comment: The TTN c.25570G>A variant is predicted to result in the amino acid substitution p.Gly8524Arg. This variant has been reported as a variant of uncertain significance in an individual with dilated cardiomyopathy (Table S5, Klauke et al. 2017. PubMed ID: 29253866). This variant is reported in 0.011% of alleles in individuals of European (Non-Finnish) descent in gnomAD. At this time, the clinical significance of this variant is uncertain due to the absence of conclusive functional and genetic evidence.

Mayo Clinic Laboratories, Mayo Clinic
Classification: Uncertain significance. Last evaluated: 2024-12-27. Review status: criteria provided, single submitter. Criteria: ACMG Guidelines, 2015. Collection method: clinical testing. Allele origin: germline. Observed: 2 variant alleles.
Comment: PP3_moderate

Revvity Omics, Revvity
Classification: Uncertain significance. Last evaluated: 2022-10-10. Review status: criteria provided, single submitter. Criteria: ACMG Guidelines, 2015. Collection method: clinical testing. Allele origin: germline.

GeneDx
Classification: Likely benign. Last evaluated: 2019-03-22. Review status: criteria provided, single submitter. Criteria: GeneDx Variant Classification Process June 2021. Collection method: clinical testing. Allele origin: germline. Affected: yes.
Comment: This variant is associated with the following publications: (PMID: 29253866)

Labcorp Genetics (formerly Invitae), Labcorp
Classification: Uncertain significance for Dilated cardiomyopathy 1G; Autosomal recessive limb-girdle muscular dystrophy type 2J. Last evaluated: 2015-11-24. Review status: criteria provided, single submitter. Criteria: Invitae Variant Classification Sherloc (09022015). Collection method: clinical testing. Allele origin: germline.

Eurofins Ntd Llc (ga)
Classification: Uncertain significance. Last evaluated: 2015-08-24. Review status: criteria provided, single submitter. Criteria: EGL Classification Definitions 2015. Collection method: clinical testing. Allele origin: germline. Observed: 1 variant allele, 1 heterozygote.

Institut für Laboratoriums- und Transfusionsmedizin, Herz- und Diabeteszentrum Nordrhein-Westfalen
Classification: Uncertain significance for Dilated cardiomyopathy 1S. Last evaluated: 2016-05-01. Review status: no assertion criteria provided. Collection method: clinical testing. Allele origin: germline. Affected: yes. Observed: 1 variant allele. Not counted in ClinVar's aggregate classification.

Literature cited by the submitters: PubMed 29253866 (cited by Mayo Clinic Laboratories, Mayo Clinic).

NM_001267550.2(TTN):c.25570G>A (p.Gly8524Arg)

Gene: TTN (titin; minus strand). Cytogenetic location: 2q31.2.
Variant type: single nucleotide variant.
Coding change: c.25570G>A on transcript NM_001267550.2 (MANE Select); coding-DNA position 25570, G replaced by A.
Protein change: p.Gly8524Arg; replaces glycine 8524 with arginine.
Molecular consequence: missense variant. On other transcripts: intron variant (3).
Genome position (GRCh38, 1-based): chr2:178,717,164, C>T on the plus strand (G>A on the coding strand, the complement: TTN is on the minus strand). VCF-style: chr2-178717164-C-T. GRCh37 (hg19) VCF-style: chr2-179581891-C-T.
Other names: p.Gly8207Arg; c.24619G>A, p.Gly8207Arg (NM_001256850.1); c.21838G>A, p.Gly7280Arg (NM_133378.4); c.13282+20918G>A (NM_003319.4); c.13858+20918G>A (NM_133437.4); c.13657+20918G>A (NM_133432.3); c.25570G>A (LRG_391t1); short protein forms G8524R, G8207R, G7280R.
Identifiers: ClinVar variation 238725 (VCV000238725.17), dbSNP rs371512914, ClinGen allele CA2000194.
Genomic context (GRCh38, chr2:178,717,164, plus strand): 5'-CCAGCTGAGCAGAACAAGAGTCTTTTCCAGCGATGTTGCTTGCATAGCAGGTGTACTGCC[C>T]GGCATCGCCTTTGCCTACTTTGAGAACTGTCAGAGTGGCAGTATTTTCTACCAAAGTCAT-3'
Protein context (NP_001254479.2, residues 8514-8534): TVLKVGKGDA[Gly8524Arg]QYTCYASNIA